The following is an entry in ClinVar:

NM_000618.5(IGF1):c.34_37del (p.Phe12fs)

Genes: IGF1 (insulin like growth factor 1; minus strand), LINC02456 (long intergenic non-protein coding RNA 2456; plus strand). Cytogenetic location: 12q23.2.
Variant type: Deletion.
Coding change: c.34_37del on transcript NM_000618.5 (MANE Select); coding-DNA positions 34 to 37, 4 bases deleted (TTTA; older notation c.34_37delTTTA).
Protein change: p.Phe12fs; shifts the reading frame from phenylalanine 12.
Molecular consequence: frameshift variant.
Genome position (GRCh38, 1-based): chr12:102,480,345-102,480,348, TAAA deleted on the plus strand (TTTA on the coding strand, the reverse complement: IGF1 is on the minus strand); deleting any 4 consecutive bases within chr12:102,480,345-102,480,351 gives the same sequence; the c. name uses the placement nearest the transcript's 3' end. VCF-style (leftmost placement, unchanged base first): chr12-102480344-TTAAA-T. GRCh37 (hg19) VCF-style: chr12-102874122-TTAAA-T.
Other names: c.34_37del, p.Phe12fs (NM_001111283.3, NM_001111285.3); short protein forms F12fs.
Identifiers: ClinVar variation 1357984 (VCV001357984.6), dbSNP rs2137303448, ClinGen allele CA2573147918.

ClinVar aggregate classification (germline): Pathogenic (1 of 4 stars; one submission).

Submission:

Labcorp Genetics (formerly Invitae), Labcorp
Classification: Pathogenic. Last evaluated: 2021-06-20. Review status: criteria provided, single submitter. Criteria: Invitae Variant Classification Sherloc (09022015). Collection method: clinical testing. Allele origin: germline.
Comment: This sequence change creates a premature translational stop signal (p.Phe12Serfs*8) in the IGF1 gene. It is expected to result in an absent or disrupted protein product. Loss-of-function variants in IGF1 are known to be pathogenic (PMID: 8857020, 31230720). This variant is not present in population databases (ExAC no frequency). For these reasons, this variant has been classified as Pathogenic. This variant has not been reported in the literature in individuals with IGF1-related conditions.

Literature cited by the submitters: PubMed 8857020; PubMed 31230720.